The following is an entry in ClinVar:

NM_000232.5(SGCB):c.361C>A (p.Pro121Thr)

Gene: SGCB (sarcoglycan beta; minus strand). Cytogenetic location: 4q12.
Variant type: single nucleotide variant.
Coding change: c.361C>A on transcript NM_000232.5 (MANE Select); coding-DNA position 361, C replaced by A.
Protein change: p.Pro121Thr; replaces proline 121 with threonine.
Molecular consequence: missense variant.
Genome position (GRCh38, 1-based): chr4:52,029,746, G>T on the plus strand (C>A on the coding strand, the complement: SGCB is on the minus strand). VCF-style: chr4-52029746-G-T. GRCh37 (hg19) VCF-style: chr4-52895912-G-T.
Other names: short protein forms P121T.
Identifiers: ClinVar variation 1000748 (VCV001000748.12), dbSNP rs764749125, ClinGen allele CA2918431.

ClinVar aggregate classification (germline): Uncertain significance. Review status: criteria provided, single submitter (1 of 4 stars). 2 submissions from 2 submitters: Uncertain significance (1). 1 of the submissions does not count toward it. Last evaluated 2022-03-17.

Conditions:
Autosomal recessive limb-girdle muscular dystrophy type 2E (LGMDR4). Also called: MUSCULAR DYSTROPHY, LIMB-GIRDLE, AUTOSOMAL RECESSIVE 4. Identifiers: Orphanet 119, MedGen C1858593, MONDO:0011423, OMIM 604286. Disease mechanism: Affects gamma-sarcoglycan and also disrupts the integrity of the entire sarcoglycan complex..

Allele frequency attached by ClinVar (database versions not stated): TOPMed 0.00001.
gnomAD v4.1: 4 of 1,613,508 alleles (0.00025%); highest among the groups gnomAD compares: Admixed American, 0.0033%; no homozygotes.

Submissions (2):

Labcorp Genetics (formerly Invitae), Labcorp
Classification: Uncertain significance for Autosomal recessive limb-girdle muscular dystrophy type 2E. Last evaluated: 2022-03-17. Review status: criteria provided, single submitter. Criteria: Invitae Variant Classification Sherloc (09022015). Collection method: clinical testing. Allele origin: germline.
Comment: This variant has not been reported in the literature in individuals affected with SGCB-related conditions. This variant is present in population databases (rs764749125, gnomAD 0.006%). This sequence change replaces proline, which is neutral and non-polar, with threonine, which is neutral and polar, at codon 121 of the SGCB protein (p.Pro121Thr). ClinVar contains an entry for this variant (Variation ID: 1000748). In summary, the available evidence is currently insufficient to determine the role of this variant in disease. Therefore, it has been classified as a Variant of Uncertain Significance. Algorithms developed to predict the effect of missense changes on protein structure and function are either unavailable or do not agree on the potential impact of this missense change (SIFT: "Tolerated"; PolyPhen-2: "Possibly Damaging"; Align-GVGD: "Class C0").

Natera, Inc.
Classification: Uncertain significance for Limb-girdle muscular dystrophy type 2E. Last evaluated: 2020-01-24. Review status: no assertion criteria provided. Collection method: clinical testing. Allele origin: germline. Not counted in ClinVar's aggregate classification.